The following is an entry in ClinVar:

ClinVar aggregate classification (germline): Uncertain significance (1 of 4 stars; one submission).

Conditions:
Severe X-linked myotubular myopathy (CNMX). Also called: Myotubular myopathy, X-linked; MYOTUBULAR MYOPATHY 1; X-linked centronuclear myopathy. Identifiers: Orphanet 596, MedGen C0410203, MONDO:0010683, OMIM 310400.

Submission:

Labcorp Genetics (formerly Invitae), Labcorp
Classification: Uncertain significance for Severe X-linked myotubular myopathy. Last evaluated: 2024-07-08. Review status: criteria provided, single submitter. Criteria: Invitae Variant Classification Sherloc (09022015). Collection method: clinical testing. Allele origin: germline.
Comment: This sequence change replaces lysine, which is basic and polar, with asparagine, which is neutral and polar, at codon 490 of the MTM1 protein (p.Lys490Asn). This variant is not present in population databases (gnomAD no frequency). This variant has not been reported in the literature in individuals affected with MTM1-related conditions. Algorithms developed to predict the effect of missense changes on protein structure and function output the following: SIFT: "Not Available"; PolyPhen-2: "Benign"; Align-GVGD: "Not Available". The asparagine amino acid residue is found in multiple mammalian species, which suggests that this missense change does not adversely affect protein function. In summary, the available evidence is currently insufficient to determine the role of this variant in disease. Therefore, it has been classified as a Variant of Uncertain Significance.

NM_000252.3(MTM1):c.1470G>T (p.Lys490Asn)

Gene: MTM1 (myotubularin 1; plus strand). Cytogenetic location: Xq28.
Variant type: single nucleotide variant.
Coding change: c.1470G>T on transcript NM_000252.3 (MANE Select); coding-DNA position 1470, G replaced by T.
Protein change: p.Lys490Asn; replaces lysine 490 with asparagine.
Molecular consequence: missense variant.
Genome position (GRCh38, 1-based): chrX:150,663,435, G>T. VCF-style: chrX-150663435-G-T. GRCh37 (hg19) VCF-style: chrX-149831908-G-T.
Other names: c.1470G>T, p.Lys490Asn (NM_001376906.1, NM_001376908.1); c.1359G>T, p.Lys453Asn (NM_001376907.1); short protein forms K453N, K490N.
Identifiers: ClinVar variation 3626463 (VCV003626463.2).